The following is an entry in ClinVar:

ClinVar aggregate classification (germline): Uncertain significance (1 of 4 stars; one submission).

Allele frequency attached by ClinVar (database versions not stated): gnomAD exomes below 0.00001.
gnomAD v4.1: 1 of 1,613,352 alleles (0.000062%); highest among the groups gnomAD compares: South Asian, 0.0011%; no homozygotes.

Submission:

CeGaT Center for Human Genetics Tuebingen
Classification: Uncertain significance. Last evaluated: 2023-06-01. Review status: criteria provided, single submitter. Criteria: CeGaT Center For Human Genetics Tuebingen Variant Classification Criteria Version 2. Collection method: clinical testing. Allele origin: germline. Affected: yes. Observed: 1 variant allele.
Comment: MRI1: PM2, BP4

NM_001031727.4(MRI1):c.707C>T (p.Ala236Val)

Gene: MRI1 (methylthioribose-1-phosphate isomerase 1; plus strand). Cytogenetic location: 19p13.13.
Variant type: single nucleotide variant.
Coding change: c.707C>T on transcript NM_001031727.4 (MANE Select); coding-DNA position 707, C replaced by T.
Protein change: p.Ala236Val; replaces alanine 236 with valine.
Molecular consequence: missense variant. On other transcripts: non-coding transcript variant (1).
Genome position (GRCh38, 1-based): chr19:13,768,720, C>T. VCF-style: chr19-13768720-C-T. GRCh37 (hg19) VCF-style: chr19-13879534-C-T.
Other names: c.620C>T, p.Ala207Val (NM_001329572.2); c.566C>T, p.Ala189Val (NM_032285.4); short protein forms A189V, A207V, A236V.
Identifiers: ClinVar variation 2649398 (VCV002649398.24), dbSNP rs2512619058, ClinGen allele CA404382007.